The following is an entry in ClinVar:

NM_004655.4(AXIN2):c.1869G>A (p.Met623Ile)

Gene: AXIN2 (axin 2; minus strand). Cytogenetic location: 17q24.1.
Variant type: single nucleotide variant.
Coding change: c.1869G>A on transcript NM_004655.4 (MANE Select); coding-DNA position 1869, G replaced by A.
Protein change: p.Met623Ile; replaces methionine 623 with isoleucine.
Molecular consequence: missense variant. On other transcripts: intron variant (1).
Genome position (GRCh38, 1-based): chr17:65,536,907, C>T on the plus strand (G>A on the coding strand, the complement: AXIN2 is on the minus strand). VCF-style: chr17-65536907-C-T. GRCh37 (hg19) VCF-style: chr17-63533025-C-T.
Other names: c.1713-354G>A (NM_001363813.1); short protein forms M623I.
Identifiers: ClinVar variation 1781625 (VCV001781625.6), dbSNP rs2144448800, ClinGen allele CA400676451.
Genomic context (GRCh38, chr17:65,536,907, plus strand): 5'-GGCGGCGGCAAGCGGTGTTTACCTATGGGGCTTGGGCTTGCTCTGCCGCTCACTCTCCAG[C>T]ATCCACTGCCAGACATCCTGCGACCTGTCTCCTTCCTCCCGGGGAAGCTGCAGGGCCCCA-3'
Protein context (NP_004646.3, residues 613-633): GDRSQDVWQW[Met623Ile]LESERQSKPK

ClinVar aggregate classification (germline): Conflicting classifications of pathogenicity. Review status: criteria provided, conflicting classifications (1 of 4 stars). 2 submissions from 2 submitters: Uncertain significance (1); Likely benign (1). Last evaluated 2025-10-22.

Conditions:
Hereditary cancer-predisposing syndrome. Also called: Neoplastic Syndromes, Hereditary; Tumor predisposition; Hereditary Cancer Syndrome; Hereditary neoplastic syndrome. Identifiers: Orphanet 140162, MedGen C0027672, MeSH D009386, MONDO:0015356.
Oligodontia-cancer predisposition syndrome. Also called: TOOTH AGENESIS-COLORECTAL CANCER SYNDROME. Identifiers: Orphanet 300576, MedGen C1837750, MONDO:0012075, OMIM 608615. Disease mechanism: loss of function.

Submissions (2):

Ambry Genetics
Classification: Likely benign for Hereditary cancer-predisposing syndrome. Last evaluated: 2025-10-22. Review status: criteria provided, single submitter. Criteria: Ambry Variant Classification Scheme 2023. Collection method: clinical testing. Allele origin: germline.

Labcorp Genetics (formerly Invitae), Labcorp
Classification: Uncertain significance for Oligodontia-cancer predisposition syndrome. Last evaluated: 2025-01-23. Review status: criteria provided, single submitter. Criteria: Invitae Variant Classification Sherloc (09022015). Collection method: clinical testing. Allele origin: germline.
Comment: This sequence change replaces methionine, which is neutral and non-polar, with isoleucine, which is neutral and non-polar, at codon 623 of the AXIN2 protein (p.Met623Ile). This variant is not present in population databases (gnomAD no frequency). This variant has not been reported in the literature in individuals affected with AXIN2-related conditions. ClinVar contains an entry for this variant (Variation ID: 1781625). Invitae Evidence Modeling of protein sequence and biophysical properties (such as structural, functional, and spatial information, amino acid conservation, physicochemical variation, residue mobility, and thermodynamic stability) indicates that this missense variant is not expected to disrupt AXIN2 protein function with a negative predictive value of 80%. In summary, the available evidence is currently insufficient to determine the role of this variant in disease. Therefore, it has been classified as a Variant of Uncertain Significance.